The following is an entry in ClinVar:

NM_005186.4(CAPN1):c.2119-3C>A

Gene: CAPN1 (calpain 1; plus strand). Cytogenetic location: 11q13.1.
Variant type: single nucleotide variant.
Coding change: c.2119-3C>A on transcript NM_005186.4 (MANE Select); 3 bases into the intron before coding-DNA position 2119, C replaced by A.
Molecular consequence: intron variant.
Genome position (GRCh38, 1-based): chr11:65,211,257, C>A. VCF-style: chr11-65211257-C-A. GRCh37 (hg19) VCF-style: chr11-64978728-C-A.
Other names: c.2119-3C>A (NM_001198868.2, NM_001198869.2).
Identifiers: ClinVar variation 1475242 (VCV001475242.6), dbSNP rs767724907, ClinGen allele CA2573147377.

ClinVar aggregate classification (germline): Uncertain significance (1 of 4 stars; one submission).

Submission:

Labcorp Genetics (formerly Invitae), Labcorp
Classification: Uncertain significance. Last evaluated: 2025-05-05. Review status: criteria provided, single submitter. Criteria: Invitae Variant Classification Sherloc (09022015). Collection method: clinical testing. Allele origin: germline.
Comment: This sequence change falls in intron 21 of the CAPN1 gene. It does not directly change the encoded amino acid sequence of the CAPN1 protein. It affects a nucleotide within the consensus splice site. This variant is not present in population databases (gnomAD no frequency). This variant has not been reported in the literature in individuals affected with CAPN1-related conditions. ClinVar contains an entry for this variant (Variation ID: 1475242). Variants that disrupt the consensus splice site are a relatively common cause of aberrant splicing (PMID: 17576681, 9536098). Algorithms developed to predict the effect of sequence changes on RNA splicing suggest that this variant may disrupt the consensus splice site. In summary, the available evidence is currently insufficient to determine the role of this variant in disease. Therefore, it has been classified as a Variant of Uncertain Significance.

Literature cited by the submitters: PubMed 17576681; PubMed 9536098.